The following is an entry in ClinVar:

ClinVar aggregate classification (germline): Uncertain significance (1 of 4 stars; one submission).

Conditions:
Microcephaly, normal intelligence and immunodeficiency (NBS). Also called: BERLIN BREAKAGE SYNDROME; IMMUNODEFICIENCY, MICROCEPHALY, AND CHROMOSOMAL INSTABILITY; SEEMANOVA SYNDROME II; Immunodeficiency, microcephaly with normal intelligence; Nijmegen breakage syndrome; Microcephaly with normal intelligence immunodeficiency and lymphoreticular malignancies. Identifiers: Orphanet 647, MedGen C0398791, MONDO:0009623, OMIM 251260.

Submission:

Labcorp Genetics (formerly Invitae), Labcorp
Classification: Uncertain significance for Microcephaly, normal intelligence and immunodeficiency. Last evaluated: 2021-03-24. Review status: criteria provided, single submitter. Criteria: Invitae Variant Classification Sherloc (09022015). Collection method: clinical testing. Allele origin: germline.
Comment: In summary, the available evidence is currently insufficient to determine the role of this variant in disease. Therefore, it has been classified as a Variant of Uncertain Significance. Algorithms developed to predict the effect of missense changes on protein structure and function output the following: SIFT: "Tolerated"; PolyPhen-2: "Benign"; Align-GVGD: "Class C0". The histidine amino acid residue is found in multiple mammalian species, suggesting that this missense change does not adversely affect protein function. These predictions have not been confirmed by published functional studies and their clinical significance is uncertain. This variant has not been reported in the literature in individuals with NBN-related conditions. This variant is not present in population databases (ExAC no frequency). This sequence change replaces glutamine with histidine at codon 291 of the NBN protein (p.Gln291His). The glutamine residue is weakly conserved and there is a small physicochemical difference between glutamine and histidine.

NM_002485.5(NBN):c.873G>C (p.Gln291His)

Gene: NBN (nibrin; minus strand). Cytogenetic location: 8q21.3.
Variant type: single nucleotide variant.
Coding change: c.873G>C on transcript NM_002485.5 (MANE Select); coding-DNA position 873, G replaced by C.
Protein change: p.Gln291His; replaces glutamine 291 with histidine.
Molecular consequence: missense variant.
Genome position (GRCh38, 1-based): chr8:89,970,387, C>G on the plus strand (G>C on the coding strand, the complement: NBN is on the minus strand). VCF-style: chr8-89970387-C-G. GRCh37 (hg19) VCF-style: chr8-90982615-C-G.
Other names: c.627G>C, p.Gln209His (NM_001024688.3); short protein forms Q291H, Q209H.
Identifiers: ClinVar variation 1446553 (VCV001446553.8), dbSNP rs786202939, ClinGen allele CA371658277.
Genomic context (GRCh38, chr8:89,970,387, plus strand): 5'-ACTTGCAGTTTTTTACTAATAAAGAATAATTCTATACCTTTGGAGCATATCCATTATTGA[C>G]TGAATCCATTTCTTCTGACAGTCAGGAATTAAGGTCTGTGAGTTTGTTATTCCTGTATCA-3'
Protein context (NP_002476.2, residues 281-301): LIPDCQKKWI[Gln291His]SIMDMLQRQG